The following is an entry in ClinVar:

NM_000254.3(MTR):c.1311C>T (p.Ser437=)

Gene: MTR (5-methyltetrahydrofolate-homocysteine methyltransferase; plus strand). Cytogenetic location: 1q43.
Variant type: single nucleotide variant.
Coding change: c.1311C>T on transcript NM_000254.3 (MANE Select); coding-DNA position 1311, C replaced by T.
Protein change: p.Ser437=; no amino-acid change (serine 437 retained).
Molecular consequence: synonymous variant.
Genome position (GRCh38, 1-based): chr1:236,835,669, C>T. VCF-style: chr1-236835669-C-T. GRCh37 (hg19) VCF-style: chr1-236998969-C-T.
Other names: c.1311C>T, p.Ser437= (NM_001291939.1); c.90C>T, p.Ser30= (NM_001291940.2); c.1311C>T (NM_000254.2).
Identifiers: ClinVar variation 1538005 (VCV001538005.10), dbSNP rs777192214, ClinGen allele CA1474046.

ClinVar aggregate classification (germline): Likely benign. Review status: criteria provided, single submitter (1 of 4 stars). 2 submissions from 2 submitters: Likely benign (1). 1 of the submissions does not count toward it. Last evaluated 2025-08-21.

Conditions:
Methylcobalamin deficiency type cblG (HMAG). Also called: HOMOCYSTINURIA-MEGALOBLASTIC ANEMIA, cblG COMPLEMENTATION TYPE; HOMOCYSTINURIA-MEGALOBLASTIC ANEMIA, cblG TYPE; Functional methionine synthase deficiency type cblG; HOMOCYSTINURIA-MEGALOBLASTIC ANEMIA DUE TO DEFECT IN COBALAMIN METABOLISM, cblG COMPLEMENTATION TYPE. Identifiers: Orphanet 2170, Orphanet 622, MedGen C1855128, MONDO:0009609, OMIM 250940.
MTR-related disorder. Also called: MTR-related condition.

Allele frequency attached by ClinVar (database versions not stated): ExAC 0.00001; gnomAD 0.00001; gnomAD exomes 0.00003 and 0.00005.

Submissions (2):

Labcorp Genetics (formerly Invitae), Labcorp
Classification: Likely benign for Methylcobalamin deficiency type cblG. Last evaluated: 2025-08-21. Review status: criteria provided, single submitter. Criteria: Invitae Variant Classification Sherloc (09022015). Collection method: clinical testing. Allele origin: germline.

PreventionGenetics, part of Exact Sciences
Classification: Likely benign for MTR-related condition. Last evaluated: 2019-12-13. Review status: no assertion criteria provided. Collection method: clinical testing. Allele origin: germline. Not counted in ClinVar's aggregate classification.
Comment: This variant is classified as likely benign based on ACMG/AMP sequence variant interpretation guidelines (Richards et al. 2015 PMID: 25741868, with internal and published modifications).